The following is an entry in ClinVar:

NM_000755.5(CRAT):c.1721A>G (p.Tyr574Cys)

Gene: CRAT (carnitine O-acetyltransferase; minus strand). Cytogenetic location: 9q34.11.
Variant type: single nucleotide variant.
Coding change: c.1721A>G on transcript NM_000755.5 (MANE Select); coding-DNA position 1721, A replaced by G.
Protein change: p.Tyr574Cys; replaces tyrosine 574 with cysteine.
Molecular consequence: missense variant.
Genome position (GRCh38, 1-based): chr9:129,095,557, T>C on the plus strand (A>G on the coding strand, the complement: CRAT is on the minus strand). VCF-style: chr9-129095557-T-C. GRCh37 (hg19) VCF-style: chr9-131857836-T-C.
Other names: c.1658A>G, p.Tyr553Cys (NM_001257363.3, NM_004003.4); c.1724A>G, p.Tyr575Cys (NM_001346546.2); c.1649A>G, p.Tyr550Cys (NM_001346547.2); c.1586A>G, p.Tyr529Cys (NM_001346548.2); c.1601A>G, p.Tyr534Cys (NM_001346549.2); short protein forms Y529C, Y574C, Y534C, Y575C, Y553C, Y550C.
Identifiers: ClinVar variation 1961015 (VCV001961015.5), dbSNP rs1037783792, ClinGen allele CA200475235.
Genomic context (GRCh38, chr9:129,095,557, plus strand): 5'-CTGTTGTAGGCCGACAGGGAGAAGTTGATGTGGGCCTCCATGGGGTTATAGCAGACACCG[T>C]AGCCGTCGGGGACCACGGGCCCGAAGAACATGACACAGTCTGTCTTGGCAGGGACCTGGG-3'
Protein context (NP_000746.3, residues 564-584): MFFGPVVPDG[Tyr574Cys]GVCYNPMEAH

ClinVar aggregate classification (germline): Uncertain significance (1 of 4 stars; one submission).

Allele frequency attached by ClinVar (database versions not stated): gnomAD exomes below 0.00001; gnomAD 0.00001; TOPMed 0.00002.
gnomAD v4.1: 7 of 1,613,302 alleles (0.00043%); highest among the groups gnomAD compares: African/African-American, 0.0067%; no homozygotes.

Submission:

Labcorp Genetics (formerly Invitae), Labcorp
Classification: Uncertain significance. Last evaluated: 2023-09-07. Review status: criteria provided, single submitter. Criteria: Invitae Variant Classification Sherloc (09022015). Collection method: clinical testing. Allele origin: germline.
Comment: This sequence change replaces tyrosine, which is neutral and polar, with cysteine, which is neutral and slightly polar, at codon 574 of the CRAT protein (p.Tyr574Cys). This variant is present in population databases (no rsID available, gnomAD 0.007%). This variant has not been reported in the literature in individuals affected with CRAT-related conditions. ClinVar contains an entry for this variant (Variation ID: 1961015). Advanced modeling of protein sequence and biophysical properties (such as structural, functional, and spatial information, amino acid conservation, physicochemical variation, residue mobility, and thermodynamic stability) performed at Invitae indicates that this missense variant is expected to disrupt CRAT protein function. In summary, the available evidence is currently insufficient to determine the role of this variant in disease. Therefore, it has been classified as a Variant of Uncertain Significance.